The following is an entry in ClinVar:

ClinVar aggregate classification (germline): Likely benign. Review status: criteria provided, multiple submitters, no conflicts (2 of 4 stars). 2 submissions from 2 submitters: Likely benign (2). Last evaluated 2023-06-26.

Conditions:
Marfan syndrome (MFS). Also called: MARFAN SYNDROME, TYPE I; Marfan syndrome type 1; Marfan's syndrome; Marfan syndrome, classic; FBN1-Related Marfan Syndrome. Identifiers: Orphanet 284963, Orphanet 558, MedGen C0024796, MONDO:0007947, OMIM 154700.
Familial thoracic aortic aneurysm and aortic dissection (TAAD). Also called: Thoracic aortic aneurysms and dissections. Identifiers: Orphanet 91387, MedGen C4707243, MONDO:0019625.

Allele frequency attached by ClinVar (database versions not stated): gnomAD exomes 0.00002; 1000 Genomes Project 0.00040; 1000 Genomes Project 30x 0.00031; gnomAD 0.00002.
gnomAD v4.1: 12 of 1,613,420 alleles (0.00074%); highest among the groups gnomAD compares: Admixed American, 0.0017%; no homozygotes.

Submissions (2):

All of Us Research Program, National Institutes of Health
Classification: Likely benign for Marfan syndrome. Last evaluated: 2023-06-26. Review status: criteria provided, single submitter. Criteria: ACMG Guidelines, 2015. Collection method: clinical testing. Allele origin: germline. Inheritance: Autosomal dominant inheritance. Observed: 1 variant allele, 1 heterozygote.
Comment: This study involves interpretation of variants in research participants for the purpose of population health screening. Participant phenotype was not available at the time of variant classification. Additional details can be found in publication PMID: 35346344, PMCID: PMC8962531

Color Diagnostics, LLC DBA Color Health
Classification: Likely benign for Familial thoracic aortic aneurysm and aortic dissection. Last evaluated: 2023-06-15. Review status: criteria provided, single submitter. Criteria: ACMG Guidelines, 2015. Collection method: clinical testing. Allele origin: germline.

NM_000138.5(FBN1):c.3338-15A>G

Gene: FBN1 (fibrillin 1; minus strand). Cytogenetic location: 15q21.1.
Variant type: single nucleotide variant.
Coding change: c.3338-15A>G on transcript NM_000138.5 (MANE Select); 15 bases into the intron before coding-DNA position 3338, A replaced by G.
Molecular consequence: intron variant.
Genome position (GRCh38, 1-based): chr15:48,487,452, T>C on the plus strand (A>G on the coding strand, the complement: FBN1 is on the minus strand). VCF-style: chr15-48487452-T-C. GRCh37 (hg19) VCF-style: chr15-48779649-T-C.
Other names: c.3338-15A>G (NM_001406716.1).
Identifiers: ClinVar variation 3072059 (VCV003072059.2), dbSNP rs200496779, ClinGen allele CA269531301.
Genomic context (GRCh38, chr15:48,487,452, plus strand): 5'-ACACCACCTCGGCATAGGAGAGGATCTCTCTGACACTCATCAATATCTGCAAAATGGAAA[T>C]GACCATGTTAAAGGTGGGGGCCTCATCTCCTCCACCAGACCAAGCACTCCTCCCCCACCC-3'